The following is an entry in ClinVar:

NM_004618.5(TOP3A):c.298A>G (p.Met100Val)

Gene: TOP3A (DNA topoisomerase III alpha; minus strand). Cytogenetic location: 17p11.2.
Variant type: single nucleotide variant.
Coding change: c.298A>G on transcript NM_004618.5 (MANE Select); coding-DNA position 298, A replaced by G.
Protein change: p.Met100Val; replaces methionine 100 with valine.
Molecular consequence: missense variant. On other transcripts: intron variant (1).
Genome position (GRCh38, 1-based): chr17:18,308,367, T>C on the plus strand (A>G on the coding strand, the complement: TOP3A is on the minus strand). VCF-style: chr17-18308367-T-C. GRCh37 (hg19) VCF-style: chr17-18211681-T-C.
Other names: c.29+515A>G (NM_001320759.2); short protein forms M100V.
Identifiers: ClinVar variation 446285 (VCV000446285.5), dbSNP rs376902371, ClinGen allele CA8430293.
Genomic context (GRCh38, chr17:18,308,367, plus strand): 5'-ACTTACTATAATCTGAAAGTCCTTCCCTTGAGAATTGTACTGACCATTTTCGAAACTGCA[T>C]CTGGAAATCATGAGCCAGTAAATGTCCAGAAACTGAAGTCATTACCATGGTAACATTCTG-3'
Protein context (NP_004609.1, residues 90-110): SGHLLAHDFQ[Met100Val]QFRKWQSCNP

ClinVar aggregate classification (germline): Pathogenic. Review status: criteria provided, single submitter (1 of 4 stars). 3 submissions from 3 submitters: Pathogenic (1). 2 of the submissions do not count toward it. Last evaluated 2024-06-26.

Conditions:
Progressive external ophthalmoplegia with mitochondrial DNA deletions, autosomal recessive 5. Also called: PROGRESSIVE EXTERNAL OPHTHALMOPLEGIA, AUTOSOMAL RECESSIVE 5. Identifiers: MedGen C4748184, MONDO:0020845, OMIM 618098.
Mitochondrial disease. Also called: Mitochondrial disorder; Mitochondrial disorders. Identifiers: Orphanet 68380, MedGen C0751651, MeSH D028361, MONDO:0044970.

Allele frequency attached by ClinVar (database versions not stated): gnomAD 0.00003 and 0.00004; ESP Exome Variant Server 0.00008; TOPMed 0.00002; gnomAD exomes 0.00006 and 0.00008; ExAC 0.00006.

Submissions (3):

Labcorp Genetics (formerly Invitae), Labcorp
Classification: Pathogenic. Last evaluated: 2024-06-26. Review status: criteria provided, single submitter. Criteria: Invitae Variant Classification Sherloc (09022015). Collection method: clinical testing. Allele origin: germline.
Comment: This sequence change replaces methionine, which is neutral and non-polar, with valine, which is neutral and non-polar, at codon 100 of the TOP3A protein (p.Met100Val). This variant is present in population databases (rs376902371, gnomAD 0.03%). This missense change has been observed in individual(s) with mitochondrial DNA depletion syndrome (PMID: 29290614, 30057030, 37013609). In at least one individual the data is consistent with being in trans (on the opposite chromosome) from a pathogenic variant. ClinVar contains an entry for this variant (Variation ID: 446285). An algorithm developed to predict the effect of missense changes on protein structure and function (PolyPhen-2) suggests that this variant is likely to be tolerated. Experimental studies have shown that this missense change affects TOP3A function (PMID: 29290614). Algorithms developed to predict the effect of sequence changes on RNA splicing suggest that this variant may disrupt the consensus splice site. For these reasons, this variant has been classified as Pathogenic.

OMIM
Classification: Pathogenic for PROGRESSIVE EXTERNAL OPHTHALMOPLEGIA WITH MITOCHONDRIAL DNA DELETIONS, AUTOSOMAL RECESSIVE 5. Last evaluated: 2024-03-07. Review status: no assertion criteria provided. Collection method: literature only. Allele origin: germline. Not counted in ClinVar's aggregate classification.

Mitochondrial Research Group, Newcastle University
Classification: Pathogenic for Mitochondrial disease. Last evaluated: 2017-11-15. Review status: no assertion criteria provided. Collection method: clinical testing. Allele origin: germline. Affected: yes. Observed: 1 variant allele. Not counted in ClinVar's aggregate classification.

Literature cited by the submitters: PubMed 29290614 (cited by 3 submitters); PubMed 30057030 (cited by Labcorp Genetics (formerly Invitae), Labcorp); PubMed 37013609 (cited by Labcorp Genetics (formerly Invitae), Labcorp).